The following is an entry in ClinVar:

ClinVar aggregate classification (germline): Pathogenic (1 of 4 stars; one submission).

Conditions:
Hereditary spastic paraplegia 4. Also called: Spastic paraplegia 4, autosomal dominant; Spastic Paraplegia 4; Familial spastic paraplegia autosomal dominant 2. Identifiers: Orphanet 100985, MedGen C1866855, MONDO:0008438, OMIM 182601.

Submission:

Labcorp Genetics (formerly Invitae), Labcorp
Classification: Pathogenic for Hereditary spastic paraplegia 4. Last evaluated: 2020-07-20. Review status: criteria provided, single submitter. Criteria: Invitae Variant Classification Sherloc (09022015). Collection method: clinical testing. Allele origin: germline.
Comment: This variant has not been reported in the literature in individuals with SPAST-related conditions. For these reasons, this variant has been classified as Pathogenic. Loss-of-function variants in SPAST are known to be pathogenic (PMID: 20932283). This variant is not present in population databases (ExAC no frequency). This sequence change creates a premature translational stop signal (p.Thr251Asnfs*15) in the SPAST gene. It is expected to result in an absent or disrupted protein product.

Literature cited by the submitters: PubMed 20932283.

NM_014946.4(SPAST):c.746dup (p.Thr251fs)

Gene: SPAST (spastin; plus strand). Cytogenetic location: 2p22.3.
Variant type: Duplication.
Coding change: c.746dup on transcript NM_014946.4 (MANE Select); coding-DNA position 746, one base duplicated (C; older notation c.746dupC).
Protein change: p.Thr251fs; shifts the reading frame from threonine 251.
Molecular consequence: frameshift variant.
Genome position (GRCh38, 1-based): chr2:32,114,701, C duplicated. VCF-style (leftmost placement, unchanged base first): chr2-32114700-T-TC. GRCh37 (hg19) VCF-style: chr2-32339769-T-TC.
Other names: c.743dup, p.Thr250fs (NM_001363823.2); c.647dup, p.Thr218fs (NM_001363875.2); c.650dup, p.Thr219fs (NM_001377959.1, NM_199436.2); short protein forms T218fs, T219fs, T250fs, T251fs.
Identifiers: ClinVar variation 1072181 (VCV001072181.7), dbSNP rs2148732927, ClinGen allele CA2499215895.